The following is an entry in ClinVar:

ClinVar aggregate classification (germline): Likely benign. Review status: criteria provided, multiple submitters, no conflicts (2 of 4 stars). 2 submissions from 2 submitters: Likely benign (2). Last evaluated 2025-06-18.

Conditions:
Developmental and epileptic encephalopathy, 12 (DEE12). Identifiers: MedGen C3150988, MONDO:0013389, OMIM 613722.

Allele frequency attached by ClinVar (database versions not stated): gnomAD 0.00008 and 0.00009; TOPMed 0.00011; ESP Exome Variant Server 0.00015.
gnomAD v4.1: 60 of 1,613,858 alleles (0.0037%); highest among the groups gnomAD compares: Non-Finnish European, 0.0045%; no homozygotes.

Submissions (2):

Labcorp Genetics (formerly Invitae), Labcorp
Classification: Likely benign for Developmental and epileptic encephalopathy, 12. Last evaluated: 2025-06-18. Review status: criteria provided, single submitter. Criteria: Invitae Variant Classification Sherloc (09022015). Collection method: clinical testing. Allele origin: germline.

GeneDx
Classification: Likely benign. Last evaluated: 2016-10-13. Review status: criteria provided, single submitter. Criteria: GeneDx Variant Classification (06012015). Collection method: clinical testing. Allele origin: germline. Affected: yes.
Comment: This variant is considered likely benign or benign based on one or more of the following criteria: it is a conservative change, it occurs at a poorly conserved position in the protein, it is predicted to be benign by multiple in silico algorithms, and/or has population frequency not consistent with disease.

NM_007254.4(PNKP):c.579-18G>A

Gene: PNKP (polynucleotide kinase 3'-phosphatase; minus strand). Cytogenetic location: 19q13.33.
Variant type: single nucleotide variant.
Coding change: c.579-18G>A on transcript NM_007254.4 (MANE Select); 18 bases into the intron before coding-DNA position 579, G replaced by A.
Molecular consequence: intron variant.
Genome position (GRCh38, 1-based): chr19:49,864,254, C>T on the plus strand (G>A on the coding strand, the complement: PNKP is on the minus strand). VCF-style: chr19-49864254-C-T. GRCh37 (hg19) VCF-style: chr19-50367511-C-T.
Identifiers: ClinVar variation 378395 (VCV000378395.9), dbSNP rs199541652, ClinGen allele CA9586887.